The following is an entry in ClinVar:

ClinVar aggregate classification (germline): Uncertain significance (1 of 4 stars; one submission).

Conditions:
Hereditary sensory and autonomic neuropathy type 6. Also called: HSAN VI; Neuropathy, hereditary sensory and autonomic, type VI. Identifiers: Orphanet 314381, MedGen C3539003, MONDO:0013839, OMIM 614653.
Epidermolysis bullosa simplex 3, localized or generalized intermediate, with BP230 deficiency (EBS3). Also called: Epidermolysis bullosa simplex due to BP230 deficiency; Epidermolysis bullosa simplex, autosomal recessive 2. Identifiers: Orphanet 412181, MedGen C3809470, MONDO:0014180, OMIM 615425.

gnomAD v4.1: 3 of 1,614,128 alleles (0.00019%); highest among the groups gnomAD compares: Non-Finnish European, 0.00025%; no homozygotes.

Submission:

Labcorp Genetics (formerly Invitae), Labcorp
Classification: Uncertain significance for Epidermolysis bullosa simplex 3, localized or generalized intermediate, with BP230 deficiency; Hereditary sensory and autonomic neuropathy type 6. Last evaluated: 2024-11-11. Review status: criteria provided, single submitter. Criteria: Invitae Variant Classification Sherloc (09022015). Collection method: clinical testing. Allele origin: germline.
Comment: This sequence change replaces proline, which is neutral and non-polar, with serine, which is neutral and polar, at codon 609 of the DST protein (p.Pro609Ser). This variant is not present in population databases (gnomAD no frequency). This variant has not been reported in the literature in individuals affected with DST-related conditions. ClinVar contains an entry for this variant (Variation ID: 1005588). An algorithm developed to predict the effect of missense changes on protein structure and function (PolyPhen-2) suggests that this variant is likely to be disruptive. In summary, the available evidence is currently insufficient to determine the role of this variant in disease. Therefore, it has been classified as a Variant of Uncertain Significance.

NM_001374736.1(DST):c.3436C>T (p.Pro1146Ser)

Gene: DST (dystonin; minus strand). Cytogenetic location: 6p12.1.
Variant type: single nucleotide variant.
Coding change: c.3436C>T on transcript NM_001374736.1 (MANE Select); coding-DNA position 3436, C replaced by T.
Protein change: p.Pro1146Ser; replaces proline 1146 with serine.
Molecular consequence: missense variant.
Genome position (GRCh38, 1-based): chr6:56,634,520, G>A on the plus strand (C>T on the coding strand, the complement: DST is on the minus strand). VCF-style: chr6-56634520-G-A. GRCh37 (hg19) VCF-style: chr6-56499318-G-A.
Other names: c.3337C>T, p.Pro1113Ser (NM_001144769.5); c.2923C>T, p.Pro975Ser (NM_001144770.2); c.3436C>T, p.Pro1146Ser (NM_001374722.1); c.2803C>T, p.Pro935Ser (NM_001374729.1, NM_001374730.1, NM_001386100.1 and 1 more transcripts); c.3463C>T, p.Pro1155Ser (NM_001374734.1); c.1825C>T, p.Pro609Ser (NM_001723.7, NM_015548.5); short protein forms P1113S, P1146S, P1155S, P609S, P935S, P975S.
Identifiers: ClinVar variation 1005588 (VCV001005588.8), dbSNP rs199545549, ClinGen allele CA139217570.